The following is an entry in ClinVar:

NM_001041.4(SI):c.2517T>A (p.Asp839Glu)

Gene: SI (sucrase-isomaltase; minus strand). Cytogenetic location: 3q26.1.
Variant type: single nucleotide variant.
Coding change: c.2517T>A on transcript NM_001041.4 (MANE Select); coding-DNA position 2517, T replaced by A.
Protein change: p.Asp839Glu; replaces aspartic acid 839 with glutamic acid.
Molecular consequence: missense variant.
Genome position (GRCh38, 1-based): chr3:165,033,443, A>T on the plus strand (T>A on the coding strand, the complement: SI is on the minus strand). VCF-style: chr3-165033443-A-T. GRCh37 (hg19) VCF-style: chr3-164751231-A-T.
Other names: c.2517T>A (NM_001041.3); short protein forms D839E.
Identifiers: ClinVar variation 1389629 (VCV001389629.6), dbSNP rs778760506, ClinGen allele CA355046926.

ClinVar aggregate classification (germline): Uncertain significance. Review status: criteria provided, multiple submitters, no conflicts (2 of 4 stars). 2 submissions from 2 submitters: Uncertain significance (2). Last evaluated 2022-12-19.

Conditions:
Inborn genetic diseases. Identifiers: MedGen C0950123, MeSH D030342.

Allele frequency attached by ClinVar (database versions not stated): gnomAD 0.00001; TOPMed 0.00001.
gnomAD v4.1: 29 of 1,537,718 alleles (0.0019%); highest among the groups gnomAD compares: Non-Finnish European, 0.0023%; no homozygotes.

Submissions (2):

Ambry Genetics
Classification: Uncertain significance for Inborn genetic diseases. Last evaluated: 2022-12-19. Review status: criteria provided, single submitter. Criteria: Ambry Variant Classification Scheme 2023. Collection method: clinical testing. Allele origin: germline.

Labcorp Genetics (formerly Invitae), Labcorp
Classification: Uncertain significance. Last evaluated: 2021-12-24. Review status: criteria provided, single submitter. Criteria: Invitae Variant Classification Sherloc (09022015). Collection method: clinical testing. Allele origin: germline.
Comment: In summary, the available evidence is currently insufficient to determine the role of this variant in disease. Therefore, it has been classified as a Variant of Uncertain Significance. Algorithms developed to predict the effect of missense changes on protein structure and function (SIFT, PolyPhen-2, Align-GVGD) all suggest that this variant is likely to be tolerated. This variant has not been reported in the literature in individuals affected with SI-related conditions. This variant is present in population databases (no rsID available, gnomAD 0.001%). This sequence change replaces aspartic acid, which is acidic and polar, with glutamic acid, which is acidic and polar, at codon 839 of the SI protein (p.Asp839Glu).